The following is an entry in ClinVar:

ClinVar aggregate classification (germline): Likely benign. Review status: criteria provided, multiple submitters, no conflicts (2 of 4 stars). 3 submissions from 3 submitters: Likely benign (2). 1 of the submissions does not count toward it. Last evaluated 2025-11-27.

Allele frequency attached by ClinVar (database versions not stated): ESP Exome Variant Server 0.00008; gnomAD 0.00011 and 0.00012; TOPMed 0.00015; gnomAD exomes 0.00020; ExAC 0.00026.
gnomAD v4.1: 200 of 1,613,954 alleles (0.012%); highest among the groups gnomAD compares: Admixed American, 0.08%; no homozygotes.

Submissions (3):

Labcorp Genetics (formerly Invitae), Labcorp
Classification: Likely benign. Last evaluated: 2025-11-27. Review status: criteria provided, single submitter. Criteria: Invitae Variant Classification Sherloc (09022015). Collection method: clinical testing. Allele origin: germline.

ARUP Laboratories, Molecular Genetics and Genomics, ARUP Laboratories
Classification: Likely benign. Last evaluated: 2023-10-18. Review status: criteria provided, single submitter. Criteria: ARUP Molecular Germline Variant Investigation Process 2024. Collection method: clinical testing. Allele origin: germline.

Martin Pollak Laboratory,  Beth Israel Deaconess Medical Center
Classification: Uncertain significance. Review status: no assertion criteria provided. Collection method: not provided. Allele origin: unknown. Not counted in ClinVar's aggregate classification.
Comment: Higher UCa2+ group
ClinVar note: Converted during submission from unknown to Uncertain significance.

NM_000316.3(PTH1R):c.1155C>T (p.Leu385=)

Gene: PTH1R (parathyroid hormone 1 receptor; plus strand). Cytogenetic location: 3p21.31.
Variant type: single nucleotide variant.
Coding change: c.1155C>T on transcript NM_000316.3 (MANE Select); coding-DNA position 1155, C replaced by T.
Protein change: p.Leu385=; no amino-acid change (leucine 385 retained).
Molecular consequence: synonymous variant.
Genome position (GRCh38, 1-based): chr3:46,901,804, C>T. VCF-style: chr3-46901804-C-T. GRCh37 (hg19) VCF-style: chr3-46943294-C-T.
Other names: c.1155C>T, p.Leu385= (NM_001184744.1).
Identifiers: ClinVar variation 64396 (VCV000064396.10), dbSNP rs201360775, ClinGen allele CA216054.